The following is an entry in ClinVar:

NM_000399.5(EGR2):c.644C>T (p.Thr215Met)

Gene: EGR2 (early growth response 2; minus strand). Cytogenetic location: 10q21.3.
Variant type: single nucleotide variant.
Coding change: c.644C>T on transcript NM_000399.5 (MANE Select); coding-DNA position 644, C replaced by T.
Protein change: p.Thr215Met; replaces threonine 215 with methionine.
Molecular consequence: missense variant.
Genome position (GRCh38, 1-based): chr10:62,813,994, G>A on the plus strand (C>T on the coding strand, the complement: EGR2 is on the minus strand). VCF-style: chr10-62813994-G-A. GRCh37 (hg19) VCF-style: chr10-64573754-G-A.
Other names: p.Thr215Met; c.644C>T (NM_000399.4); c.644C>T, p.Thr215Met (NM_001136177.3, NM_001136178.2); c.494C>T, p.Thr165Met (NM_001136179.3, NM_001321037.2); short protein forms T215M, T165M.
Identifiers: ClinVar variation 246013 (VCV000246013.102), dbSNP rs139147487, ClinGen allele CA5517251.
Genomic context (GRCh38, chr10:62,813,994, plus strand): 5'-TGGCACTGAGATGGAAAGAATCCAGGATAGTCTGGGATCATTGGGAAGAGACCTGGGTCC[G>A]TGGCTGGCTTGGGGGATGGATAGGAAGGAGGTGGTGGGTAGGCCAGAGAGGAAGAGGTGG-3'
Protein context (NP_000390.2, residues 205-225): PPSYPSPKPA[Thr215Met]DPGLFPMIPD

ClinVar aggregate classification (germline): Conflicting classifications of pathogenicity. Review status: criteria provided, conflicting classifications (1 of 4 stars). 10 submissions from 10 submitters: Uncertain significance (3); Benign (1); Likely benign (6). Last evaluated 2026-10-01.

Conditions:
EGR2-related disorder. Also called: EGR2-related condition.
Charcot-Marie-Tooth disease type 4E (CHN1). Also called: Hypomyelinating neuropathy, congenital, 1; HYPOMYELINATION, SEVERE CONGENITAL; Congenital Hypomyelination; Congenital hypomyelinating neuropathy 1, autosomal recessive; CHARCOT-MARIE-TOOTH DISEASE, DEMYELINATING, TYPE 4E. Identifiers: Orphanet 99951, MedGen C4721436, MONDO:0011527, OMIM 605253.
Charcot-Marie-Tooth disease type 1D. Also called: HEREDITARY MOTOR AND SENSORY NEUROPATHY 1D; HMSN ID; CHARCOT-MARIE-TOOTH NEUROPATHY, TYPE 1D; Charcot-Marie-Tooth disease, demyelinating, type 1d. Identifiers: Orphanet 101084, MedGen C1843247, MONDO:0011890, OMIM 607678.
Dejerine-Sottas disease. Also called: Charcot-Marie-Tooth disease type 3; HEREDITARY MOTOR AND SENSORY NEUROPATHY TYPE III; DEJERINE-SOTTAS NEUROPATHY; Hereditary motor and sensory neuropathy 3; HMSN Type III. Identifiers: Orphanet 64748, MedGen C0011195, MONDO:0007790, OMIM 145900.
Inborn genetic diseases. Identifiers: MedGen C0950123, MeSH D030342.
Charcot-Marie-Tooth disease, type I (CMT1). Also called: Charcot-Marie-Tooth, Type 1; Charcot-Marie-Tooth disease type 1. Identifiers: Orphanet 65753, MedGen C0751036, MONDO:0019011.

Allele frequency attached by ClinVar (database versions not stated): 1000 Genomes Project 30x 0.00016; 1000 Genomes Project 0.00020; gnomAD 0.00037 and 0.00039; TOPMed 0.00040; gnomAD exomes 0.00064 and 0.00073; ESP Exome Variant Server 0.00069; ExAC 0.00096.

Submissions (10):

GeneDx
Classification: Uncertain significance. Last evaluated: 2026-10-01. Review status: criteria provided, single submitter. Criteria: GeneDx Variant Classification Process June 2021. Collection method: clinical testing. Allele origin: germline.
Comment: Reported previously as a variant of uncertain significance in two patients with suspected CMT; however, no further clinical or segregation information was provided (PMID: 32376792); In silico analysis suggests that this missense variant does not alter protein structure/function; This variant is associated with the following publications: (PMID: 32376792)

CeGaT Center for Human Genetics Tuebingen
Classification: Likely benign. Last evaluated: 2026-04-01. Review status: criteria provided, single submitter. Criteria: CeGaT Center For Human Genetics Tuebingen Variant Classification Criteria Version 2. Collection method: clinical testing. Allele origin: germline. Affected: yes. Observed: 2 variant alleles.
Comment: EGR2: BP4

PreventionGenetics, part of Exact Sciences
Classification: Likely benign for EGR2-related condition. Last evaluated: 2026-02-16. Review status: criteria provided, single submitter. Criteria: ACMG Guidelines, 2015. Collection method: clinical testing. Allele origin: germline.
Comment: This variant is classified as likely benign based on ACMG/AMP sequence variant interpretation guidelines (Richards et al. 2015 PMID: 25741868, with internal and published modifications).

Women's Health and Genetics/Laboratory Corporation of America, LabCorp
Classification: Uncertain significance. Last evaluated: 2026-02-05. Review status: criteria provided, single submitter. Criteria: LabCorp Variant Classification Summary - May 2015. Collection method: clinical testing. Allele origin: germline.
Comment: Variant summary: EGR2 c.644C>T (p.Thr215Met) results in a non-conservative amino acid change in the encoded protein sequence. Algorithms developed to predict the effect of missense changes on protein structure and function are either unavailable or do not agree on the potential impact of this missense change. The variant allele was found at a frequency of 0.00064 in 251472 control chromosomes. This frequency is not significantly higher than estimated for disease-causing variants in EGR2, allowing no conclusion about variant significance. c.644C>T has been reported in the literature as a VUS twice in a cohort of individuals suspected of Charcot-Marie-Tooth disease (e.g. Volodarsky_2021). This report does not provide unequivocal conclusions about association of the variant with Charcot-Marie-Tooth disease. To our knowledge, no experimental evidence demonstrating an impact on protein function has been reported. The following publication has been ascertained in the context of this evaluation (PMID: 32376792). ClinVar contains an entry for this variant (Variation ID: 246013). Based on the evidence outlined above, the variant was classified as uncertain significance.

Labcorp Genetics (formerly Invitae), Labcorp
Classification: Likely benign for Charcot-Marie-Tooth disease, type I. Last evaluated: 2026-01-08. Review status: criteria provided, single submitter. Criteria: Invitae Variant Classification Sherloc (09022015). Collection method: clinical testing. Allele origin: germline.

Athena Diagnostics
Classification: Benign. Last evaluated: 2025-09-24. Review status: criteria provided, single submitter. Criteria: Athena Diagnostics Criteria. Collection method: clinical testing. Allele origin: unknown.
Comment: The frequency of this variant in the general population is higher than would generally be expected for pathogenic variants in this gene. Computational tools predict this amino acid change may be benign. This variant has been seen where an alternate explanation for disease was also identified.

Mayo Clinic Laboratories, Mayo Clinic
Classification: Likely benign. Last evaluated: 2025-05-24. Review status: criteria provided, single submitter. Criteria: ACMG Guidelines, 2015. Collection method: clinical testing. Allele origin: germline. Observed: 4 variant alleles.
Comment: BS1, BP4

ARUP Laboratories, Molecular Genetics and Genomics, ARUP Laboratories
Classification: Uncertain significance. Last evaluated: 2024-10-16. Review status: criteria provided, single submitter. Criteria: ARUP Molecular Germline Variant Investigation Process 2024. Collection method: clinical testing. Allele origin: germline.
Comment: The EGR2 c.644C>T; p.Thr215Met variant (rs139147487) is reported in the literature in two individuals with suspected CMT but without evidence for pathogenicity (Volodarsky 2021). This variant is reported in ClinVar (Variation ID: 246013). This variant is found in the non-Finnish European population with an allele frequency of 0.1% (148/129172 alleles) in the Genome Aggregation Database. Computational analyses predict that this variant is neutral (REVEL: 0.032). While the high population frequency suggests that this is likely a benign variant, given the lack of clinical and functional data, the significance of this variant is uncertain at this time. References: Volodarsky M et al. Comprehensive genetic sequence and copy number analysis for Charcot-Marie-Tooth disease in a Canadian cohort of 2517 patients. J Med Genet. 2021 Apr;58(4):284-288. PMID: 32376792.

Ambry Genetics
Classification: Likely benign for Inborn genetic diseases. Last evaluated: 2019-11-01. Review status: criteria provided, single submitter. Criteria: Ambry Variant Classification Scheme 2023. Collection method: clinical testing. Allele origin: germline.

Illumina Laboratory Services, Illumina
Classification: Likely benign for Charcot-Marie-Tooth disease type 1D. Last evaluated: 2018-01-12. Review status: criteria provided, single submitter. Criteria: ICSL Variant Classification Criteria 13 December 2019. Collection method: clinical testing. Allele origin: germline.
Comment: This variant was observed in the ICSL laboratory as part of a predisposition screen in an ostensibly healthy population. It had not been previously curated by ICSL or reported in the Human Gene Mutation Database (HGMD: prior to June 1st, 2018), and was therefore a candidate for classification through an automated scoring system. Utilizing variant allele frequency, disease prevalence and penetrance estimates, and inheritance mode, an automated score was calculated to assess if this variant is too frequent to cause the disease. Based on the score and internal cut-off values, a variant classified as likely benign is not then subjected to further curation. The score for this variant resulted in a classification of likely benign for this disease.

Literature cited by the submitters: PubMed 32376792 (cited by 3 submitters).